The following is an entry in ClinVar:

ClinVar aggregate classification (germline): Uncertain significance (1 of 4 stars; one submission).

Conditions:
Charcot-Marie-Tooth disease type 4. Also called: Charcot-Marie-Tooth, Type 4; Charcot-Marie-Tooth disease, type IV. Identifiers: Orphanet 64749, MedGen C4082197, MONDO:0018995.

Submission:

Labcorp Genetics (formerly Invitae), Labcorp
Classification: Uncertain significance for Charcot-Marie-Tooth disease type 4. Last evaluated: 2021-09-01. Review status: criteria provided, single submitter. Criteria: Invitae Variant Classification Sherloc (09022015). Collection method: clinical testing. Allele origin: germline.
Comment: This sequence change replaces valine with leucine at codon 1134 of the PRX protein (p.Val1134Leu). The valine residue is moderately conserved and there is a small physicochemical difference between valine and leucine. This variant is not present in population databases (ExAC no frequency). This variant has not been reported in the literature in individuals affected with PRX-related conditions. ClinVar contains an entry for this variant (Variation ID: 188301). Algorithms developed to predict the effect of missense changes on protein structure and function (SIFT, PolyPhen-2, Align-GVGD) all suggest that this variant is likely to be tolerated. In summary, the available evidence is currently insufficient to determine the role of this variant in disease. Therefore, it has been classified as a Variant of Uncertain Significance.

NM_181882.3(PRX):c.3400G>T (p.Val1134Leu)

Gene: PRX (periaxin; minus strand). Cytogenetic location: 19q13.2.
Variant type: single nucleotide variant.
Coding change: c.3400G>T on transcript NM_181882.3 (MANE Select); coding-DNA position 3400, G replaced by T.
Protein change: p.Val1134Leu; replaces valine 1134 with leucine.
Molecular consequence: missense variant. On other transcripts: 3 prime UTR variant (1).
Genome position (GRCh38, 1-based): chr19:40,394,952, C>A on the plus strand (G>T on the coding strand, the complement: PRX is on the minus strand). VCF-style: chr19-40394952-C-A. GRCh37 (hg19) VCF-style: chr19-40900859-C-A.
Other names: c.*3605G>T (NM_020956.2); short protein forms V1134L.
Identifiers: ClinVar variation 188301 (VCV000188301.7), dbSNP rs786204203, ClinGen allele CA334561.